The following is an entry in ClinVar:

NM_000540.3(RYR1):c.11302C>T (p.Arg3768Trp)

Gene: RYR1 (ryanodine receptor 1; plus strand). Cytogenetic location: 19q13.2.
Variant type: single nucleotide variant.
Coding change: c.11302C>T on transcript NM_000540.3 (MANE Select); coding-DNA position 11302, C replaced by T.
Protein change: p.Arg3768Trp; replaces arginine 3768 with tryptophan.
Molecular consequence: missense variant.
Genome position (GRCh38, 1-based): chr19:38,534,762, C>T. VCF-style: chr19-38534762-C-T. GRCh37 (hg19) VCF-style: chr19-39025402-C-T.
Other names: c.11287C>T, p.Arg3763Trp (NM_001042723.2); short protein forms R3763W, R3768W.
Identifiers: ClinVar variation 1045546 (VCV001045546.18), dbSNP rs910313832, ClinGen allele CA308085586.

ClinVar aggregate classification (germline): Uncertain significance. Review status: criteria provided, multiple submitters, no conflicts (2 of 4 stars). 11 submissions from 11 submitters: Uncertain significance (7). 4 of the submissions do not count toward it. Last evaluated 2025-12-21.

Conditions:
RYR1-related disorder. Also called: RYR1-related disorders; RYR1-related condition. Identifiers: MedGen CN239331.
Central core myopathy (CMYO1A). Also called: CONGENITAL MYOPATHY 1A, AUTOSOMAL DOMINANT, WITH SUSCEPTIBILITY TO MALIGNANT HYPERTHERMIA; Central core disease; Myopathy, central fibrillar. Identifiers: Orphanet 597, MedGen C5830701, MONDO:0007294, OMIM 117000.
Congenital multicore myopathy with external ophthalmoplegia (CMYO1B). Also called: MULTICORE MYOPATHY; Minicore myopathy with external ophthalmoplegia; MULTIMINICORE DISEASE WITH EXTERNAL OPHTHALMOPLEGIA; Congenital myopathy 1B, autosomal recessive; Minicore myopathy. Identifiers: Orphanet 598, Orphanet 98905, MedGen C1850674, MONDO:0009712, OMIM 255320, HP:0003789.
Congenital myopathy with fiber type disproportion. Also called: Congenital fiber-type disproportion; Congenital fiber-type disproportion myopathy. Identifiers: Orphanet 2020, MedGen C0546264, MONDO:0009711. Inheritance: all.
Malignant hyperthermia, susceptibility to, 1 (MHS1). Also called: RYR1-Related Malignant Hyperthermia Susceptibility; Malignant hyperthermia suceptibility 1; Anesthesia related hyperthermia; Malignant hyperpyrexia; Fulminating hyperpyrexia; Pharmacogenic myopathy. Identifiers: Orphanet 423, MedGen C2930980, MONDO:0007783, OMIM 145600.
King Denborough syndrome (KDS). Identifiers: MedGen C1840365, MONDO:0020485, OMIM 619542.

Allele frequency attached by ClinVar (database versions not stated): gnomAD 0.00002; TOPMed 0.00004; gnomAD exomes below 0.00001 and 0.00002.
gnomAD v4.1: 36 of 1,613,890 alleles (0.0022%); highest among the groups gnomAD compares: African/African-American, 0.0027%; 1 homozygote.

Submissions (11):

Labcorp Genetics (formerly Invitae), Labcorp
Classification: Uncertain significance for RYR1-related disorder. Last evaluated: 2025-12-21. Review status: criteria provided, single submitter. Criteria: Invitae Variant Classification Sherloc (09022015). Collection method: clinical testing. Allele origin: germline.
Comment: This sequence change replaces arginine, which is basic and polar, with tryptophan, which is neutral and slightly polar, at codon 3768 of the RYR1 protein (p.Arg3768Trp). This variant is present in population databases (no rsID available, gnomAD 0.002%). This variant has not been reported in the literature in individuals affected with RYR1-related conditions. ClinVar contains an entry for this variant (Variation ID: 1045546). Invitae Evidence Modeling of protein sequence and biophysical properties (such as structural, functional, and spatial information, amino acid conservation, physicochemical variation, residue mobility, and thermodynamic stability) indicates that this missense variant is expected to disrupt RYR1 protein function with a positive predictive value of 80%. In summary, the available evidence is currently insufficient to determine the role of this variant in disease. Therefore, it has been classified as a Variant of Uncertain Significance.

All of Us Research Program, National Institutes of Health
Classification: Uncertain significance for Malignant hyperthermia, susceptibility to, 1. Last evaluated: 2024-06-11. Review status: criteria provided, single submitter. Criteria: ACMG Guidelines, 2015. Collection method: clinical testing. Allele origin: germline. Inheritance: Autosomal dominant inheritance. Observed: 4 variant alleles, 4 heterozygotes.
Comment: This missense variant replaces arginine with tryptophan at codon 3768 of the RYR1 protein. Computational prediction suggests that this variant may have deleterious impact on protein structure and function (internally defined REVEL score threshold >= 0.7, PMID: 27666373). To our knowledge, functional studies have not been reported for this variant. This variant has not been reported in individuals affected with RYR1-related disorders in the literature. This variant has been identified in 3/282142 chromosomes in the general population by the Genome Aggregation Database (gnomAD). The available evidence is insufficient to determine the role of this variant in disease conclusively. Therefore, this variant is classified as a Variant of Uncertain Significance.

This study involves interpretation of variants in research participants for the purpose of population health screening. Participant phenotype was not available at the time of variant classification. Additional details can be found in publication PMID: 35346344, PMCID: PMC8962531

Color Diagnostics, LLC DBA Color Health
Classification: Uncertain significance for Malignant hyperthermia, susceptibility to, 1. Last evaluated: 2023-11-15. Review status: criteria provided, single submitter. Criteria: ACMG Guidelines, 2015. Collection method: clinical testing. Allele origin: germline.
Comment: This missense variant replaces arginine with tryptophan at codon 3768 of the RYR1 protein. Computational prediction suggests that this variant may have deleterious impact on protein structure and function. To our knowledge, functional studies have not been reported for this variant. This variant has not been reported in individuals affected with RYR1-related disorders in the literature. This variant has been identified in 3/282142 chromosomes in the general population by the Genome Aggregation Database (gnomAD). The available evidence is insufficient to determine the role of this variant in disease conclusively. Therefore, this variant is classified as a Variant of Uncertain Significance.

Fulgent Genetics
Classification: Uncertain significance for Central core myopathy; Malignant hyperthermia, susceptibility to, 1; Congenital myopathy 4A, autosomal dominant; Congenital multicore myopathy with external ophthalmoplegia; King Denborough syndrome. Last evaluated: 2021-09-23. Review status: criteria provided, single submitter. Criteria: ACMG Guidelines, 2015. Collection method: clinical testing. Allele origin: unknown.

Revvity Omics, Revvity
Classification: Uncertain significance. Last evaluated: 2021-01-13. Review status: criteria provided, single submitter. Criteria: ACMG Guidelines, 2015. Collection method: clinical testing. Allele origin: germline.

Blueprint Genetics
Classification: Uncertain significance. Last evaluated: 2019-10-24. Review status: criteria provided, single submitter. Criteria: ACMG Guidelines, 2015. Collection method: clinical testing. Allele origin: germline.

GeneDx
Classification: Uncertain significance. Last evaluated: 2019-10-21. Review status: criteria provided, single submitter. Criteria: GeneDx Variant Classification Process June 2021. Collection method: clinical testing. Allele origin: germline. Affected: yes.
Comment: Not observed at a significant frequency in large population cohorts (Lek et al., 2016); In silico analysis, which includes protein predictors and evolutionary conservation, supports a deleterious effect; Has not been previously published as pathogenic or benign to our knowledge

Clinical Genetics DNA and cytogenetics Diagnostics Lab, Erasmus MC, Erasmus Medical Center
Classification: Uncertain significance. Review status: no assertion criteria provided. Collection method: clinical testing. Allele origin: germline. Affected: yes. Study: VKGL Data-share Consensus. Not counted in ClinVar's aggregate classification.

Genome Diagnostics Laboratory, Amsterdam University Medical Center
Classification: Uncertain significance. Review status: no assertion criteria provided. Collection method: clinical testing. Allele origin: germline. Affected: yes. Study: VKGL Data-share Consensus. Not counted in ClinVar's aggregate classification.

Joint Genome Diagnostic Labs from Nijmegen and Maastricht, Radboudumc and MUMC+
Classification: Uncertain significance. Review status: no assertion criteria provided. Collection method: clinical testing. Allele origin: germline. Affected: yes. Study: VKGL Data-share Consensus. Not counted in ClinVar's aggregate classification.

Laboratory of Diagnostic Genome Analysis, Leiden University Medical Center (LUMC)
Classification: Uncertain significance. Review status: no assertion criteria provided. Collection method: clinical testing. Allele origin: germline. Affected: yes. Study: VKGL Data-share Consensus. Not counted in ClinVar's aggregate classification.